The following is an entry in ClinVar:

ClinVar aggregate classification (germline): Uncertain significance (1 of 4 stars; one submission).

Submission:

Ambry Genetics
Classification: Uncertain significance. Last evaluated: 2022-12-17. Review status: criteria provided, single submitter. Criteria: Ambry Variant Classification Scheme 2023. Collection method: clinical testing. Allele origin: germline.
Comment: The p.Y490C variant (also known as c.1469A>G), located in coding exon 9 of the GALNT12 gene, results from an A to G substitution at nucleotide position 1469. The tyrosine at codon 490 is replaced by cysteine, an amino acid with highly dissimilar properties. This amino acid position is conserved. In addition, the in silico prediction for this alteration is inconclusive. Since supporting evidence is limited at this time, the clinical significance of this alteration remains unclear.

NM_024642.5(GALNT12):c.1469A>G (p.Tyr490Cys)

Gene: GALNT12 (polypeptide N-acetylgalactosaminyltransferase 12; plus strand). Cytogenetic location: 9q22.33.
Variant type: single nucleotide variant.
Coding change: c.1469A>G on transcript NM_024642.5 (MANE Select); coding-DNA position 1469, A replaced by G.
Protein change: p.Tyr490Cys; replaces tyrosine 490 with cysteine.
Molecular consequence: missense variant.
Genome position (GRCh38, 1-based): chr9:98,845,987, A>G. VCF-style: chr9-98845987-A-G. GRCh37 (hg19) VCF-style: chr9-101608269-A-G.
Other names: short protein forms Y490C.
Identifiers: ClinVar variation 2451766 (VCV002451766.2), dbSNP rs2490557322, ClinGen allele CA374221609.